The following is an entry in ClinVar:

NM_001077653.2(TBX20):c.891-3T>C

Gene: TBX20 (T-box transcription factor 20; minus strand). Cytogenetic location: 7p14.2.
Variant type: single nucleotide variant.
Coding change: c.891-3T>C on transcript NM_001077653.2 (MANE Select); 3 bases into the intron before coding-DNA position 891, T replaced by C.
Molecular consequence: intron variant.
Genome position (GRCh38, 1-based): chr7:35,204,585, A>G on the plus strand (T>C on the coding strand, the complement: TBX20 is on the minus strand). VCF-style: chr7-35204585-A-G. GRCh37 (hg19) VCF-style: chr7-35244197-A-G.
Identifiers: ClinVar variation 1911198 (VCV001911198.5), dbSNP rs2546981594, ClinGen allele CA1100159501.
Genomic context (GRCh38, chr7:35,204,585, plus strand): 5'-GGTACGGATGGGTGAGCGTGCATAGGAATGCTTTTGAATCAGGCTCTCCACACTTTCCCT[A>G]GGTTAGAGTGACATATCACAGGTTAAGTAAAATGTAAAGGACTCAGAGATACAGAGAGGT-3'

ClinVar aggregate classification (germline): Uncertain significance (1 of 4 stars; one submission).

Submission:

Labcorp Genetics (formerly Invitae), Labcorp
Classification: Uncertain significance. Last evaluated: 2022-05-27. Review status: criteria provided, single submitter. Criteria: Invitae Variant Classification Sherloc (09022015). Collection method: clinical testing. Allele origin: germline.
Comment: Variants that disrupt the consensus splice site are a relatively common cause of aberrant splicing (PMID: 17576681, 9536098). Algorithms developed to predict the effect of sequence changes on RNA splicing suggest that this variant is not likely to affect RNA splicing. In summary, the available evidence is currently insufficient to determine the role of this variant in disease. Therefore, it has been classified as a Variant of Uncertain Significance. This variant is not present in population databases (gnomAD no frequency). This sequence change falls in intron 6 of the TBX20 gene. It does not directly change the encoded amino acid sequence of the TBX20 protein. It affects a nucleotide within the consensus splice site. This variant has not been reported in the literature in individuals affected with TBX20-related conditions.

Literature cited by the submitters: PubMed 17576681; PubMed 9536098.